The following is an entry in ClinVar:

ClinVar aggregate classification (germline): Likely pathogenic (1 of 4 stars; one submission).

Conditions:
Greig cephalopolysyndactyly syndrome (GCPS). Also called: POLYSYNDACTYLY WITH PECULIAR SKULL SHAPE; Greig syndrome; GLI3-Related Greig Cephalopolysyndactyly Syndrome. Identifiers: Orphanet 380, MedGen C0265306, MONDO:0008287, OMIM 175700.
Pallister-Hall syndrome (PHS). Also called: HYPOTHALAMIC HAMARTOBLASTOMA, HYPOPITUITARISM, IMPERFORATE ANUS, AND POSTAXIAL POLYDACTYLY; GLI3-Related Pallister-Hall Syndrome. Identifiers: Orphanet 672, MedGen C0265220, MONDO:0007804, OMIM 146510.

Submission:

Labcorp Genetics (formerly Invitae), Labcorp
Classification: Likely pathogenic for Pallister-Hall syndrome; Greig cephalopolysyndactyly syndrome. Last evaluated: 2022-03-14. Review status: criteria provided, single submitter. Criteria: Invitae Variant Classification Sherloc (09022015). Collection method: clinical testing. Allele origin: germline.
Comment: In summary, the currently available evidence indicates that the variant is pathogenic, but additional data are needed to prove that conclusively. Therefore, this variant has been classified as Likely Pathogenic. This variant has not been reported in the literature in individuals affected with GLI3-related conditions. This variant results in a copy number gain of the genomic region encompassing exon(s) 4 of the GLI3 gene. While the exact position of this variant cannot be determined from the data, sub-genic copy number gains are generally in tandem (PMID: 25640679). This variant is predicted to be out-of-frame, and may result in an absent or disrupted protein product. Loss-of-function variants in GLI3 are known to be pathogenic (PMID: 10441570, 15739154, 18000979, 24736735).

Literature cited by the submitters: PubMed 25640679; PubMed 10441570; PubMed 15739154; PubMed 18000979; PubMed 24736735.

NC_000007.13:g.(?_42116331)_(42116476_?)dup

Gene: GLI3 (GLI family zinc finger 3; minus strand). Cytogenetic location: 7p14.1.
Variant type: Duplication.
Identifiers: ClinVar variation 2422507 (VCV002422507.4).